The following is an entry in ClinVar:

ClinVar aggregate classification (germline): Pathogenic (1 of 4 stars; one submission).

Conditions:
Sitosterolemia (STSL). Also called: PHYTOSTEROLEMIA. Identifiers: Orphanet 2882, MedGen C0342907, MONDO:0008863.

Allele frequency attached by ClinVar (database versions not stated): gnomAD exomes below 0.00001; TOPMed below 0.00001; gnomAD 0.00001.
gnomAD v4.1: 2 of 1,607,204 alleles (0.00012%); highest among the groups gnomAD compares: Non-Finnish European, 0.00017%; no homozygotes.

Submission:

Labcorp Genetics (formerly Invitae), Labcorp
Classification: Pathogenic for Sitosterolemia. Last evaluated: 2025-04-07. Review status: criteria provided, single submitter. Criteria: Invitae Variant Classification Sherloc (09022015). Collection method: clinical testing. Allele origin: germline.
Comment: This sequence change affects an acceptor splice site in intron 12 of the ABCG5 gene. While this variant is not anticipated to result in nonsense mediated decay, it likely alters RNA splicing and results in a disrupted protein product. The frequency data for this variant in the population databases is considered unreliable, as metrics indicate poor data quality at this position in the gnomAD database. Disruption of this splice site has been observed in individual(s) with sitosterolemia (PMID: 27170062). In at least one individual the data is consistent with being in trans (on the opposite chromosome) from a pathogenic variant. ClinVar contains an entry for this variant (Variation ID: 2722141). Variants that disrupt the consensus splice site are a relatively common cause of aberrant splicing (PMID: 17576681, 9536098). Algorithms developed to predict the effect of sequence changes on RNA splicing suggest that this variant may disrupt the consensus splice site. For these reasons, this variant has been classified as Pathogenic.

Literature cited by the submitters: PubMed 27170062; PubMed 17576681; PubMed 9536098.

NM_022436.3(ABCG5):c.1763-1G>A

Genes: ABCG5 (ATP binding cassette subfamily G member 5; minus strand), DYNC2LI1 (dynein cytoplasmic 2 light intermediate chain 1; plus strand). Cytogenetic location: 2p21.
Variant type: single nucleotide variant.
Coding change: c.1763-1G>A on transcript NM_022436.3 (MANE Select); the canonical splice acceptor site of the intron before coding-DNA position 1763, G replaced by A.
Molecular consequence: splice acceptor variant. On other transcripts: intron variant (2).
Genome position (GRCh38, 1-based): chr2:43,813,310, C>T on the plus strand (G>A on the coding strand, the complement: ABCG5 is on the minus strand). VCF-style: chr2-43813310-C-T. GRCh37 (hg19) VCF-style: chr2-44040449-C-T.
Other names: c.*15+2786C>T (NM_001348913.2, NM_001348912.2).
Identifiers: ClinVar variation 2722141 (VCV002722141.3), dbSNP rs1428480606, ClinGen allele CA346662340.